The following is an entry in ClinVar:

ClinVar aggregate classification (germline): Pathogenic (1 of 4 stars; one submission).

Conditions:
Polycystic kidney disease, adult type (PKD1). Also called: POLYCYSTIC KIDNEY DISEASE 1 WITH OR WITHOUT POLYCYSTIC LIVER DISEASE; Polycystic Kidney Disease 1, Autosomal Dominant; Polycystic kidney disease 1; Polycystic kidney disease 1, severe; Polycystic Kidney, Autosomal Dominant; POLYCYSTIC KIDNEY DISEASE, ADULT, TYPE I. Identifiers: MedGen C3149841, MONDO:0008263, OMIM 173900.

Submission:

Cavalleri Lab, Royal College of Surgeons in Ireland
Classification: Pathogenic for Polycystic kidney disease, adult type. Last evaluated: 2020-02-05. Review status: criteria provided, single submitter. Criteria: ACMG Guidelines, 2015. Collection method: research. Allele origin: unknown. Inheritance: Autosomal dominant inheritance. Affected: yes.
Comment: PVS1, PM2, PP4

NM_001009944.3(PKD1):c.439dup (p.Val147fs)

Gene: PKD1 (polycystin 1, transient receptor potential channel interacting; minus strand). Cytogenetic location: 16p13.3.
Variant type: Duplication.
Coding change: c.439dup on transcript NM_001009944.3 (MANE Select); coding-DNA position 439, one base duplicated (G; older notation c.439dupG).
Protein change: p.Val147fs; shifts the reading frame from valine 147.
Molecular consequence: frameshift variant.
Genome position (GRCh38, 1-based): chr16:2,118,766, C duplicated on the plus strand (G on the coding strand, the reverse complement: PKD1 is on the minus strand); the first of 3 consecutive C bases (chr16:2,118,766-2,118,768); duplicating any one gives the same sequence. VCF-style (leftmost placement, unchanged base first): chr16-2118765-A-AC. GRCh37 (hg19) VCF-style: chr16-2168766-A-AC.
Other names: c.439dup, p.Val147fs (NM_000296.4); c.439dupG (NM_001009944.3); short protein forms V147fs.
Identifiers: ClinVar variation 873359 (VCV000873359.1), dbSNP rs2092679105, ClinGen allele CA1139664407.
Genomic context (GRCh38, chr16:2,118,765, plus strand): 5'-AGCAGAGGCTGGCCAGCCAGGGAGCCAGGCCCAGCACACGTGGCTGCCTCGGGCTGCACC[A>AC]CCCGCACCTGCTGCTCCTCCGCCCATCGCGGCAGCCACGCCAGGCCACAGTCACACTCAA-3'